The following is an entry in ClinVar:

ClinVar aggregate classification (germline): Likely pathogenic (1 of 4 stars; one submission).

Conditions:
Hypertrophic cardiomyopathy 26. Also called: Cardiomyopathy, familial hypertrophic, 26. Identifiers: Orphanet 75249, MedGen C4310749, MONDO:0014883, OMIM 617047.

Submission:

KardioGenetik, Herz- und Diabeteszentrum NRW
Classification: Likely pathogenic for Hypertrophic cardiomyopathy 26. Last evaluated: 2025-11-21. Review status: criteria provided, single submitter. Criteria: ACMG Guidelines, 2015. Collection method: clinical testing. Allele origin: unknown. Affected: yes. Observed: 1 variant allele.
Comment: The variant is present in heterozygous form and is classified as likely pathogenic. This variant has not been reported in the scientific literature or in variant databases to date. It does not appear in the general population cohorts of the gnomAD database, where its allele frequency is zero. The duplication of a thymine nucleotide at cDNA position 3398 results in a frameshift and the introduction of a premature stop codon. This leads to haploinsufficiency with reduced levels of intact filamin C in the cell and corresponds to the mechanism described and curated by the Clinical Genome Resource (ClinGen) for DCM-causing truncating FLNC variants. (PVS1, PM2_supporting)

NM_001458.5(FLNC):c.3398dup (p.Leu1134fs)

Gene: FLNC (filamin C; plus strand). Cytogenetic location: 7q32.1.
Variant type: Duplication.
Coding change: c.3398dup on transcript NM_001458.5 (MANE Select); coding-DNA position 3398, one base duplicated (T; older notation c.3398dupT).
Protein change: p.Leu1134fs; shifts the reading frame from leucine 1134.
Molecular consequence: frameshift variant.
Genome position (GRCh38, 1-based): chr7:128,844,863, T duplicated. VCF-style (leftmost placement, unchanged base first): chr7-128844862-A-AT. GRCh37 (hg19) VCF-style: chr7-128484916-A-AT.
Other names: c.3398dup, p.Leu1134fs (NM_001127487.2); short protein forms L1134fs.
Identifiers: ClinVar variation 4688047 (VCV004688047.1).